The following is an entry in ClinVar:

ClinVar aggregate classification (germline): Uncertain significance. Review status: criteria provided, single submitter (1 of 4 stars). 2 submissions from 2 submitters: Uncertain significance (1). 1 of the submissions does not count toward it. Last evaluated 2022-08-24.

Conditions:
PCNT-related disorder. Also called: PCNT-related condition.

Allele frequency attached by ClinVar (database versions not stated): gnomAD 0.00003; TOPMed 0.00003; ExAC 0.00004; 1000 Genomes Project 30x 0.00016.
gnomAD v4.1: 72 of 1,609,382 alleles (0.0045%); highest among the groups gnomAD compares: Non-Finnish European, 0.0055%; no homozygotes.

Submissions (2):

Labcorp Genetics (formerly Invitae), Labcorp
Classification: Uncertain significance. Last evaluated: 2022-08-24. Review status: criteria provided, single submitter. Criteria: Invitae Variant Classification Sherloc (09022015). Collection method: clinical testing. Allele origin: germline.
Comment: This sequence change replaces arginine, which is basic and polar, with tryptophan, which is neutral and slightly polar, at codon 1804 of the PCNT protein (p.Arg1804Trp). This variant is present in population databases (rs543681545, gnomAD 0.006%). This variant has not been reported in the literature in individuals affected with PCNT-related conditions. Algorithms developed to predict the effect of missense changes on protein structure and function are either unavailable or do not agree on the potential impact of this missense change (SIFT: "Deleterious"; PolyPhen-2: "Benign"; Align-GVGD: "Class C0"). In summary, the available evidence is currently insufficient to determine the role of this variant in disease. Therefore, it has been classified as a Variant of Uncertain Significance.

PreventionGenetics, part of Exact Sciences
Classification: Uncertain significance for PCNT-related condition. Last evaluated: 2024-09-05. Review status: no assertion criteria provided. Collection method: clinical testing. Allele origin: germline. Not counted in ClinVar's aggregate classification.
Comment: The PCNT c.5410C>T variant is predicted to result in the amino acid substitution p.Arg1804Trp. To our knowledge, this variant has not been reported in the literature. This variant is reported in 0.0058% of alleles in individuals of East Asian descent in gnomAD. At this time, the clinical significance of this variant is uncertain due to the absence of conclusive functional and genetic evidence.

NM_006031.6(PCNT):c.5410C>T (p.Arg1804Trp)

Gene: PCNT (pericentrin; plus strand). Cytogenetic location: 21q22.3.
Variant type: single nucleotide variant.
Coding change: c.5410C>T on transcript NM_006031.6 (MANE Select); coding-DNA position 5410, C replaced by T.
Protein change: p.Arg1804Trp; replaces arginine 1804 with tryptophan.
Molecular consequence: missense variant.
Genome position (GRCh38, 1-based): chr21:46,411,483, C>T. VCF-style: chr21-46411483-C-T. GRCh37 (hg19) VCF-style: chr21-47831397-C-T.
Other names: c.5056C>T, p.Arg1686Trp (NM_001315529.2); c.5410C>T (NM_006031.5); short protein forms R1686W, R1804W.
Identifiers: ClinVar variation 2177065 (VCV002177065.2), dbSNP rs543681545, ClinGen allele CA10079976.